The following is an entry in ClinVar:

NM_006904.7(PRKDC):c.5166C>G (p.Phe1722Leu)

Gene: PRKDC (protein kinase, DNA-activated, catalytic subunit; minus strand). Cytogenetic location: 8q11.21.
Variant type: single nucleotide variant.
Coding change: c.5166C>G on transcript NM_006904.7 (MANE Select); coding-DNA position 5166, C replaced by G.
Protein change: p.Phe1722Leu; replaces phenylalanine 1722 with leucine.
Molecular consequence: missense variant.
Genome position (GRCh38, 1-based): chr8:47,879,560, G>C on the plus strand (C>G on the coding strand, the complement: PRKDC is on the minus strand). VCF-style: chr8-47879560-G-C. GRCh37 (hg19) VCF-style: chr8-48792121-G-C.
Other names: c.5166C>G, p.Phe1722Leu (NM_001081640.2); short protein forms F1722L.
Identifiers: ClinVar variation 2626347 (VCV002626347.2), dbSNP rs759792953, ClinGen allele CA4740699.
Genomic context (GRCh38, chr8:47,879,560, plus strand): 5'-GCAGTCCACATAATTATTGAACCGCGGAGTTCCTGGAGGAAATTCCCTGGACTGCATGGG[G>C]AAGTGAGCAACGATGAGCTGCTCCAGAACACGTCTAAGTTCCTCCAGACTGCCTCCAGTG-3'
Protein context (NP_008835.5, residues 1712-1732): RVLEQLIVAH[Phe1722Leu]PMQSREFPPG

ClinVar aggregate classification (germline): Uncertain significance (1 of 4 stars; one submission).

Allele frequency attached by ClinVar (database versions not stated): ExAC 0.00002.
gnomAD v4.1: 2 of 1,598,826 alleles (0.00013%); highest among the groups gnomAD compares: South Asian, 0.0011%; no homozygotes.

Submission:

Ambry Genetics
Classification: Uncertain significance. Last evaluated: 2023-07-29. Review status: criteria provided, single submitter. Criteria: Ambry Variant Classification Scheme 2023. Collection method: clinical testing. Allele origin: germline.
Comment: The p.F1722L variant (also known as c.5166C>G), located in coding exon 39 of the PRKDC gene, results from a C to G substitution at nucleotide position 5166. The phenylalanine at codon 1722 is replaced by leucine, an amino acid with highly similar properties. This amino acid position is conserved. In addition, this alteration is predicted to be deleterious by in silico analysis. Since supporting evidence is limited at this time, the clinical significance of this alteration remains unclear.